The following is an entry in ClinVar:

NM_001394998.1(TANC2):c.1487C>G (p.Ala496Gly)

Gene: TANC2 (tetratricopeptide repeat, ankyrin repeat and coiled-coil containing 2; plus strand). Cytogenetic location: 17q23.3.
Variant type: single nucleotide variant.
Coding change: c.1487C>G on transcript NM_001394998.1 (MANE Select); coding-DNA position 1487, C replaced by G.
Protein change: p.Ala496Gly; replaces alanine 496 with glycine.
Molecular consequence: missense variant.
Genome position (GRCh38, 1-based): chr17:63,319,002, C>G. VCF-style: chr17-63319002-C-G. GRCh37 (hg19) VCF-style: chr17-61396363-C-G.
Other names: c.1265C>G, p.Ala422Gly (NM_001411076.1, NM_025185.4); short protein forms A422G, A496G.
Identifiers: ClinVar variation 4076906 (VCV004076906.1).
Genomic context (GRCh38, chr17:63,319,002, plus strand): 5'-ATCTTTTTAATCCAGATGTGGATGCCAACAGAGAGCTGCCACTCACACAGCCACCTTCAG[C>G]CCACTCATCTATCACCAGTGGAAGCTGCCCAGGAACTCCGGAAATGCGCAGGCGGCAGGA-3'
Protein context (NP_001381927.1, residues 486-506): RELPLTQPPS[Ala496Gly]HSSITSGSCP

ClinVar aggregate classification (germline): Uncertain significance (1 of 4 stars; one submission).

Submission:

GeneDx
Classification: Uncertain significance. Last evaluated: 2025-02-20. Review status: criteria provided, single submitter. Criteria: GeneDx Variant Classification Process June 2021. Collection method: clinical testing. Allele origin: germline. Affected: yes.
Comment: Not observed at significant frequency in large population cohorts (gnomAD); In silico analysis indicates that this missense variant does not alter protein structure/function; Has not been previously published as pathogenic or benign to our knowledge